The following is an entry in ClinVar:

ClinVar aggregate classification (germline): Uncertain significance (1 of 4 stars; one submission).

Conditions:
Kabuki syndrome. Also called: NIIKAWA-KUROKI SYNDROME; Kabuki make-up syndrome. Identifiers: Orphanet 2322, MedGen C0796004, MONDO:0016512.

Submission:

Labcorp Genetics (formerly Invitae), Labcorp
Classification: Uncertain significance for Kabuki syndrome. Last evaluated: 2023-08-17. Review status: criteria provided, single submitter. Criteria: Invitae Variant Classification Sherloc (09022015). Collection method: clinical testing. Allele origin: germline.
Comment: In summary, the available evidence is currently insufficient to determine the role of this variant in disease. Therefore, it has been classified as a Variant of Uncertain Significance. This sequence change replaces proline, which is neutral and non-polar, with leucine, which is neutral and non-polar, at codon 2934 of the KMT2D protein (p.Pro2934Leu). This variant is not present in population databases (gnomAD no frequency). This variant has not been reported in the literature in individuals affected with KMT2D-related conditions. ClinVar contains an entry for this variant (Variation ID: 1357262). Advanced modeling of protein sequence and biophysical properties (such as structural, functional, and spatial information, amino acid conservation, physicochemical variation, residue mobility, and thermodynamic stability) performed at Invitae indicates that this missense variant is not expected to disrupt KMT2D protein function.

NM_003482.4(KMT2D):c.8801C>T (p.Pro2934Leu)

Gene: KMT2D (lysine methyltransferase 2D; minus strand). Cytogenetic location: 12q13.12.
Variant type: single nucleotide variant.
Coding change: c.8801C>T on transcript NM_003482.4 (MANE Select); coding-DNA position 8801, C replaced by T.
Protein change: p.Pro2934Leu; replaces proline 2934 with leucine.
Molecular consequence: missense variant.
Genome position (GRCh38, 1-based): chr12:49,038,555, G>A on the plus strand (C>T on the coding strand, the complement: KMT2D is on the minus strand). VCF-style: chr12-49038555-G-A. GRCh37 (hg19) VCF-style: chr12-49432338-G-A.
Other names: short protein forms P2934L.
Identifiers: ClinVar variation 1357262 (VCV001357262.8), dbSNP rs2120500034, ClinGen allele CA384740865.